The following is an entry in ClinVar:

ClinVar aggregate classification (germline): Uncertain significance. Review status: criteria provided, multiple submitters, no conflicts (2 of 4 stars). 3 submissions from 3 submitters: Uncertain significance (3). Last evaluated 2023-10-08.

Conditions:
Breast and/or ovarian cancer. Identifiers: MedGen CN221562.
Hereditary cancer-predisposing syndrome. Also called: Hereditary Cancer Syndrome; Hereditary neoplastic syndrome; Neoplastic Syndromes, Hereditary; Tumor predisposition. Identifiers: Orphanet 140162, MedGen C0027672, MeSH D009386, MONDO:0015356.
Familial cancer of breast. Also called: BREAST CANCER, FAMILIAL; Hereditary breast cancer; hereditary breast carcinoma. Identifiers: Orphanet 227535, MedGen C0346153, MONDO:0016419, OMIM 114480. Disease mechanism: loss of function.

Submissions (3):

Baylor Genetics
Classification: Uncertain significance for Familial cancer of breast. Last evaluated: 2023-10-08. Review status: criteria provided, single submitter. Criteria: ACMG Guidelines, 2015. Collection method: clinical testing. Allele origin: unknown.

CHEO Genetics Diagnostic Laboratory, Children's Hospital of Eastern Ontario
Classification: Uncertain significance for Breast and/or ovarian cancer. Last evaluated: 2022-12-19. Review status: criteria provided, single submitter. Criteria: ACMG Guidelines, 2015. Collection method: clinical testing. Allele origin: germline.

Ambry Genetics
Classification: Uncertain significance for Hereditary cancer-predisposing syndrome. Last evaluated: 2022-07-10. Review status: criteria provided, single submitter. Criteria: Ambry Variant Classification Scheme 2023. Collection method: clinical testing. Allele origin: germline.
Comment: The p.L477S variant (also known as c.1430T>C), located in coding exon 9 of the BRIP1 gene, results from a T to C substitution at nucleotide position 1430. The leucine at codon 477 is replaced by serine, an amino acid with dissimilar properties. This amino acid position is conserved. In addition, the in silico prediction for this alteration is inconclusive. Since supporting evidence is limited at this time, the clinical significance of this alteration remains unclear.

NM_032043.3(BRIP1):c.1430T>C (p.Leu477Ser)

Gene: BRIP1 (BRCA1 interacting DNA helicase 1; minus strand). Cytogenetic location: 17q23.2.
Variant type: single nucleotide variant.
Coding change: c.1430T>C on transcript NM_032043.3 (MANE Select); coding-DNA position 1430, T replaced by C.
Protein change: p.Leu477Ser; replaces leucine 477 with serine.
Molecular consequence: missense variant.
Genome position (GRCh38, 1-based): chr17:61,793,640, A>G on the plus strand (T>C on the coding strand, the complement: BRIP1 is on the minus strand). VCF-style: chr17-61793640-A-G. GRCh37 (hg19) VCF-style: chr17-59871001-A-G.
Other names: short protein forms L477S.
Identifiers: ClinVar variation 1772502 (VCV001772502.4), dbSNP rs2545106494, ClinGen allele CA400482121.